The following is an entry in ClinVar:

ClinVar aggregate classification (germline): Uncertain significance (1 of 4 stars; one submission).

Conditions:
Citrin deficiency. Identifiers: Orphanet 247582, MedGen C1997910, MONDO:0016602.

Allele frequency attached by ClinVar (database versions not stated): gnomAD exomes below 0.00001 and 0.00001; ExAC 0.00001; TOPMed 0.00001.
gnomAD v4.1: 4 of 1,614,082 alleles (0.00025%); highest among the groups gnomAD compares: South Asian, 0.0011%; no homozygotes.

Submission:

Labcorp Genetics (formerly Invitae), Labcorp
Classification: Uncertain significance for Citrin deficiency. Last evaluated: 2025-05-05. Review status: criteria provided, single submitter. Criteria: Invitae Variant Classification Sherloc (09022015). Collection method: clinical testing. Allele origin: germline.
Comment: This sequence change replaces methionine, which is neutral and non-polar, with valine, which is neutral and non-polar, at codon 230 of the SLC25A13 protein (p.Met230Val). This variant is present in population databases (rs767411822, gnomAD 0.002%). This variant has not been reported in the literature in individuals affected with SLC25A13-related conditions. ClinVar contains an entry for this variant (Variation ID: 1383026). Invitae Evidence Modeling of protein sequence and biophysical properties (such as structural, functional, and spatial information, amino acid conservation, physicochemical variation, residue mobility, and thermodynamic stability) has been performed for this missense variant. However, the output from this modeling did not meet the statistical confidence thresholds required to predict the impact of this variant on SLC25A13 protein function. In summary, the available evidence is currently insufficient to determine the role of this variant in disease. Therefore, it has been classified as a Variant of Uncertain Significance.

NM_014251.3(SLC25A13):c.688A>G (p.Met230Val)

Gene: SLC25A13 (solute carrier family 25 member 13; minus strand). Cytogenetic location: 7q21.3.
Variant type: single nucleotide variant.
Coding change: c.688A>G on transcript NM_014251.3 (MANE Select); coding-DNA position 688, A replaced by G.
Protein change: p.Met230Val; replaces methionine 230 with valine.
Molecular consequence: missense variant. On other transcripts: non-coding transcript variant (1).
Genome position (GRCh38, 1-based): chr7:96,191,175, T>C on the plus strand (A>G on the coding strand, the complement: SLC25A13 is on the minus strand). VCF-style: chr7-96191175-T-C. GRCh37 (hg19) VCF-style: chr7-95820487-T-C.
Other names: c.688A>G, p.Met230Val (NM_001160210.2); short protein forms M230V.
Identifiers: ClinVar variation 1383026 (VCV001383026.4), dbSNP rs767411822, ClinGen allele CA4353192.